The following is an entry in ClinVar:

ClinVar aggregate classification (germline): Uncertain significance (1 of 4 stars; one submission).

Conditions:
Familial cold autoinflammatory syndrome 2 (FCAS2). Identifiers: Orphanet 247868, MedGen C2673198, MONDO:0012724, OMIM 611762.

Allele frequency attached by ClinVar (database versions not stated): gnomAD 0.00001; gnomAD exomes 0.00001; ExAC 0.00003; 1000 Genomes Project 30x 0.00016; 1000 Genomes Project 0.00020.
gnomAD v4.1: 9 of 1,613,918 alleles (0.00056%); highest among the groups gnomAD compares: Admixed American, 0.013%; no homozygotes.

Submission:

Labcorp Genetics (formerly Invitae), Labcorp
Classification: Uncertain significance for Familial cold autoinflammatory syndrome 2. Last evaluated: 2024-02-24. Review status: criteria provided, single submitter. Criteria: Invitae Variant Classification Sherloc (09022015). Collection method: clinical testing. Allele origin: germline.
Comment: This sequence change creates a premature translational stop signal (p.Gln416*) in the NLRP12 gene. It is expected to result in an absent or disrupted protein product. However, the current clinical and genetic evidence is not sufficient to establish whether loss-of-function variants in NLRP12 cause disease. This variant is present in population databases (rs200296032, gnomAD 0.02%). This variant has not been reported in the literature in individuals affected with NLRP12-related conditions. ClinVar contains an entry for this variant (Variation ID: 1908025). In summary, the available evidence is currently insufficient to determine the role of this variant in disease. Therefore, it has been classified as a Variant of Uncertain Significance.

NM_144687.4(NLRP12):c.1246C>T (p.Gln416Ter)

Gene: NLRP12 (NLR family pyrin domain containing 12; minus strand). Cytogenetic location: 19q13.42.
Variant type: single nucleotide variant.
Coding change: c.1246C>T on transcript NM_144687.4 (MANE Select); coding-DNA position 1246, C replaced by T.
Protein change: p.Gln416Ter; replaces glutamine 416 with a stop codon.
Molecular consequence: nonsense.
Genome position (GRCh38, 1-based): chr19:53,810,413, G>A on the plus strand (C>T on the coding strand, the complement: NLRP12 is on the minus strand). VCF-style: chr19-53810413-G-A. GRCh37 (hg19) VCF-style: chr19-54313667-G-A.
Other names: c.1246C>T, p.Gln416Ter (NM_001277126.2, NM_001277129.1); short protein forms Q416*.
Identifiers: ClinVar variation 1908025 (VCV001908025.5), dbSNP rs200296032, ClinGen allele CA9639486.